The following is an entry in ClinVar:

NM_078470.6(COX15):c.612T>C (p.Ser204=)

Gene: COX15 (cytochrome c oxidase assembly factor COX15; minus strand). Cytogenetic location: 10q24.2.
Variant type: single nucleotide variant.
Coding change: c.612T>C on transcript NM_078470.6 (MANE Select); coding-DNA position 612, T replaced by C.
Protein change: p.Ser204=; no amino-acid change (serine 204 retained).
Molecular consequence: synonymous variant. On other transcripts: non-coding transcript variant (1).
Genome position (GRCh38, 1-based): chr10:99,724,094, A>G on the plus strand (T>C on the coding strand, the complement: COX15 is on the minus strand). VCF-style: chr10-99724094-A-G. GRCh37 (hg19) VCF-style: chr10-101483851-A-G.
Other names: c.612T>C, p.Ser204= (NM_001320974.2, NM_001320975.2, NM_001372024.1 and 5 more transcripts); c.75T>C, p.Ser25= (NM_001320976.2).
Identifiers: ClinVar variation 513947 (VCV000513947.4), dbSNP rs770279579, ClinGen allele CA5642218.

ClinVar aggregate classification (germline): Likely benign. Review status: criteria provided, multiple submitters, no conflicts (2 of 4 stars). 2 submissions from 2 submitters: Likely benign (2). Last evaluated 2024-02-07.

Allele frequency attached by ClinVar (database versions not stated): ExAC 0.00001; gnomAD 0.00001; TOPMed 0.00001.
gnomAD v4.1: 4 of 1,614,028 alleles (0.00025%); highest among the groups gnomAD compares: Admixed American, 0.005%; no homozygotes.

Submissions (2):

Labcorp Genetics (formerly Invitae), Labcorp
Classification: Likely benign. Last evaluated: 2024-02-07. Review status: criteria provided, single submitter. Criteria: Invitae Variant Classification Sherloc (09022015). Collection method: clinical testing. Allele origin: germline.

GeneDx
Classification: Likely benign. Last evaluated: 2017-12-22. Review status: criteria provided, single submitter. Criteria: GeneDx Variant Classification (06012015). Collection method: clinical testing. Allele origin: germline. Affected: yes.
Comment: This variant is considered likely benign or benign based on one or more of the following criteria: it is a conservative change, it occurs at a poorly conserved position in the protein, it is predicted to be benign by multiple in silico algorithms, and/or has population frequency not consistent with disease.